The following is an entry in ClinVar:

ClinVar aggregate classification (germline): Conflicting classifications of pathogenicity. Review status: criteria provided, conflicting classifications (1 of 4 stars). 6 submissions from 6 submitters: Uncertain significance (5); Benign (1). Last evaluated 2025-05-06.

Conditions:
Spastic paraplegia. Identifiers: MedGen C0037772, HP:0001258.
Charlevoix-Saguenay spastic ataxia (SACS). Also called: SPASTIC ATAXIA 6, AUTOSOMAL RECESSIVE; Spastic ataxia of Charlevoix-Saguenay; AUTOSOMAL RECESSIVE SPASTIC ATAXIA OF CHARLEVOIX-SAGUENAY. Identifiers: Orphanet 98, MedGen C1849140, MONDO:0010041, OMIM 270550.

Allele frequency attached by ClinVar (database versions not stated): TOPMed 0.00006; gnomAD 0.00008 and 0.00009; ExAC 0.00012; ESP Exome Variant Server 0.00015.
gnomAD v4.1: 204 of 1,610,534 alleles (0.013%); highest among the groups gnomAD compares: Non-Finnish European, 0.016%; no homozygotes.

Submissions (6):

Labcorp Genetics (formerly Invitae), Labcorp
Classification: Benign for Spastic paraplegia. Last evaluated: 2025-05-06. Review status: criteria provided, single submitter. Criteria: Invitae Variant Classification Sherloc (09022015). Collection method: clinical testing. Allele origin: germline.

Athena Diagnostics
Classification: Uncertain significance. Last evaluated: 2022-12-05. Review status: criteria provided, single submitter. Criteria: Athena Diagnostics Criteria. Collection method: clinical testing. Allele origin: unknown.
Comment: Available data are insufficient to determine the clinical significance of the variant at this time. The frequency of this variant in the general population is uninformative in assessment of its pathogenicity. Computational tools disagree on the variant's effect on normal protein function.

Genome-Nilou Lab
Classification: Uncertain significance for Charlevoix-Saguenay spastic ataxia. Last evaluated: 2021-09-05. Review status: criteria provided, single submitter. Criteria: ACMG Guidelines, 2015. Collection method: clinical testing. Allele origin: germline. Affected: no.

Fulgent Genetics
Classification: Uncertain significance for Charlevoix-Saguenay spastic ataxia. Last evaluated: 2021-07-27. Review status: criteria provided, single submitter. Criteria: ACMG Guidelines, 2015. Collection method: clinical testing. Allele origin: unknown.

Mayo Clinic Laboratories, Mayo Clinic
Classification: Uncertain significance for Charlevoix-Saguenay spastic ataxia. Last evaluated: 2018-05-30. Review status: criteria provided, single submitter. Criteria: ACMG Guidelines, 2015. Collection method: clinical testing. Allele origin: maternal.

Eurofins Ntd Llc (ga)
Classification: Uncertain significance. Last evaluated: 2016-04-18. Review status: criteria provided, single submitter. Criteria: EGL Classification Definitions 2015. Collection method: clinical testing. Allele origin: germline. Observed: 2 variant alleles, 2 heterozygotes.

Literature cited by the submitters: PubMed 25401298 (cited by Athena Diagnostics); PubMed 27433545 (cited by Athena Diagnostics); PubMed 34786481 (cited by Athena Diagnostics).

NM_014363.6(SACS):c.2996T>C (p.Ile999Thr)

Gene: SACS (sacsin molecular chaperone; minus strand). Cytogenetic location: 13q12.12.
Variant type: single nucleotide variant.
Coding change: c.2996T>C on transcript NM_014363.6 (MANE Select); coding-DNA position 2996, T replaced by C.
Protein change: p.Ile999Thr; replaces isoleucine 999 with threonine.
Molecular consequence: missense variant.
Genome position (GRCh38, 1-based): chr13:23,340,880, A>G on the plus strand (T>C on the coding strand, the complement: SACS is on the minus strand). VCF-style: chr13-23340880-A-G. GRCh37 (hg19) VCF-style: chr13-23915019-A-G.
Other names: c.2555T>C, p.Ile852Thr (NM_001278055.2); c.2996T>C (NM_014363.4); short protein forms I999T, I852T.
Identifiers: ClinVar variation 281206 (VCV000281206.20), dbSNP rs371869943, ClinGen allele CA6911580.